The following is an entry in ClinVar:

NM_000059.4(BRCA2):c.2728C>T (p.His910Tyr)

Gene: BRCA2 (BRCA2 DNA repair associated; plus strand). Cytogenetic location: 13q13.1.
Variant type: single nucleotide variant.
Coding change: c.2728C>T on transcript NM_000059.4 (MANE Select); coding-DNA position 2728, C replaced by T.
Protein change: p.His910Tyr; replaces histidine 910 with tyrosine.
Molecular consequence: missense variant.
Genome position (GRCh38, 1-based): chr13:32,337,083, C>T. VCF-style: chr13-32337083-C-T. GRCh37 (hg19) VCF-style: chr13-32911220-C-T.
Other names: short protein forms H910Y.
Identifiers: ClinVar variation 491223 (VCV000491223.12), dbSNP rs1555282812, ClinGen allele CA387773593.
Genomic context (GRCh38, chr13:32,337,083, plus strand): 5'-TTTGTCTTCCAAGTAGCTAATGAAAGGAATAATCTTGCTTTAGGAAATACTAAGGAACTT[C>T]ATGAAACAGACTTGACTTGTGTAAACGAACCCATTTTCAAGAACTCTACCATGGTTTTAT-3'
Protein context (NP_000050.3, residues 900-920): NLALGNTKEL[His910Tyr]ETDLTCVNEP

ClinVar aggregate classification (germline): Conflicting classifications of pathogenicity. Review status: criteria provided, conflicting classifications (1 of 4 stars). 5 submissions from 5 submitters: Uncertain significance (4); Likely benign (1). Last evaluated 2025-07-14.

Conditions:
Hereditary cancer-predisposing syndrome. Also called: Hereditary neoplastic syndrome; Tumor predisposition; Hereditary Cancer Syndrome; Neoplastic Syndromes, Hereditary. Identifiers: Orphanet 140162, MedGen C0027672, MeSH D009386, MONDO:0015356.
Hereditary breast ovarian cancer syndrome. Also called: Hereditary breast and/or ovarian cancer syndrome; BRCA1- and BRCA2-Associated Hereditary Breast and Ovarian Cancer; Breast and ovarian cancer; Hereditary breast and ovarian cancer; Hereditary breast and ovarian cancer syndrome; Hereditary breast and ovarian cancer syndrome (HBOC). Identifiers: Orphanet 145, MedGen C0677776, MeSH D061325, MONDO:0003582. Disease mechanism: loss of function.

Allele frequency attached by ClinVar (database versions not stated): gnomAD exomes below 0.00001.
gnomAD v4.1: 1 of 1,611,756 alleles (0.000062%); highest among the groups gnomAD compares: Non-Finnish European, 0.000085%; no homozygotes.

Submissions (5):

Women's Health and Genetics/Laboratory Corporation of America, LabCorp
Classification: Uncertain significance. Last evaluated: 2025-07-14. Review status: criteria provided, single submitter. Criteria: LabCorp Variant Classification Summary - May 2015. Collection method: clinical testing. Allele origin: germline.
Comment: Variant summary: BRCA2 c.2728C>T (p.His910Tyr) results in a conservative amino acid change in the encoded protein sequence. Algorithms developed to predict the effect of missense changes on protein structure and function all suggest that this variant is likely to be tolerated. The variant was absent in 248622 control chromosomes. The available data on variant occurrences in the general population are insufficient to allow any conclusion about variant significance. To our knowledge, no occurrence of c.2728C>T in individuals affected with Hereditary Breast And Ovarian Cancer Syndrome and no experimental evidence demonstrating its impact on protein function have been reported. ClinVar contains an entry for this variant (Variation ID: 491223). Based on the evidence outlined above, the variant was classified as uncertain significance.

Labcorp Genetics (formerly Invitae), Labcorp
Classification: Uncertain significance for Hereditary breast ovarian cancer syndrome. Last evaluated: 2024-08-13. Review status: criteria provided, single submitter. Criteria: Invitae Variant Classification Sherloc (09022015). Collection method: clinical testing. Allele origin: germline.
Comment: This sequence change replaces histidine, which is basic and polar, with tyrosine, which is neutral and polar, at codon 910 of the BRCA2 protein (p.His910Tyr). This variant is not present in population databases (gnomAD no frequency). This variant has not been reported in the literature in individuals affected with BRCA2-related conditions. ClinVar contains an entry for this variant (Variation ID: 491223). Advanced modeling of protein sequence and biophysical properties (such as structural, functional, and spatial information, amino acid conservation, physicochemical variation, residue mobility, and thermodynamic stability) performed at Invitae indicates that this missense variant is not expected to disrupt BRCA2 protein function with a negative predictive value of 95%. In summary, the available evidence is currently insufficient to determine the role of this variant in disease. Therefore, it has been classified as a Variant of Uncertain Significance.

Ambry Genetics
Classification: Uncertain significance for Hereditary cancer-predisposing syndrome. Last evaluated: 2024-07-05. Review status: criteria provided, single submitter. Criteria: Ambry Variant Classification Scheme 2023. Collection method: clinical testing. Allele origin: germline.
Comment: The p.H910Y variant (also known as c.2728C>T), located in coding exon 10 of the BRCA2 gene, results from a C to T substitution at nucleotide position 2728. The histidine at codon 910 is replaced by tyrosine, an amino acid with similar properties. This amino acid position is conserved. In addition, this alteration is predicted to be tolerated by in silico analysis. Since supporting evidence is limited at this time, the clinical significance of this alteration remains unclear.

University of Washington Department of Laboratory Medicine, University of Washington
Classification: Likely benign for Hereditary cancer-predisposing syndrome. Last evaluated: 2023-03-23. Review status: criteria provided, single submitter. Criteria: Dines et al. (Genet Med. 2020). Collection method: curation. Allele origin: germline.
Comment: Missense variant in a coldspot region where missense variants are very unlikely to be pathogenic (PMID:31911673).

BRCA2 exon 11 coldspot. Reclassification based on statistical prior probability.

Color Diagnostics, LLC DBA Color Health
Classification: Uncertain significance for Hereditary cancer-predisposing syndrome. Last evaluated: 2019-05-03. Review status: criteria provided, single submitter. Criteria: ACMG Guidelines, 2015. Collection method: clinical testing. Allele origin: germline.